The following is an entry in ClinVar:

NM_015910.7(WDPCP):c.161-4A>G

Gene: WDPCP (WD repeat containing planar cell polarity effector; minus strand). Cytogenetic location: 2p15.
Variant type: single nucleotide variant.
Coding change: c.161-4A>G on transcript NM_015910.7 (MANE Select); 4 bases into the intron before coding-DNA position 161, A replaced by G.
Molecular consequence: intron variant.
Genome position (GRCh38, 1-based): chr2:63,487,498, T>C on the plus strand (A>G on the coding strand, the complement: WDPCP is on the minus strand). VCF-style: chr2-63487498-T-C. GRCh37 (hg19) VCF-style: chr2-63714632-T-C.
Other names: c.89-4A>G (NM_001354044.2); c.161-4A>G (NM_001354045.2, NM_015910.5).
Identifiers: ClinVar variation 1578879 (VCV001578879.10), dbSNP rs745808806, ClinGen allele CA1682590.

ClinVar aggregate classification (germline): Likely benign. Review status: criteria provided, multiple submitters, no conflicts (2 of 4 stars). 3 submissions from 3 submitters: Likely benign (3). Last evaluated 2025-02-10.

Conditions:
WDPCP-related disorder. Also called: WDPCP-related condition.
Bardet-Biedl syndrome (BBS). Identifiers: Orphanet 110, MedGen C0752166, MONDO:0015229.

Allele frequency attached by ClinVar (database versions not stated): ExAC 0.00001; gnomAD 0.00001 and 0.00002; gnomAD exomes 0.00001; TOPMed 0.00003.
gnomAD v4.1: 18 of 1,583,500 alleles (0.0011%); highest among the groups gnomAD compares: African/African-American, 0.0027%; no homozygotes.

Submissions (3):

PreventionGenetics, part of Exact Sciences
Classification: Likely benign for WDPCP-related condition. Last evaluated: 2025-02-10. Review status: criteria provided, single submitter. Criteria: ACMG Guidelines, 2015. Collection method: clinical testing. Allele origin: germline.
Comment: This variant is classified as likely benign based on ACMG/AMP sequence variant interpretation guidelines (Richards et al. 2015 PMID: 25741868, with internal and published modifications).

Blueprint Genetics
Classification: Likely benign. Last evaluated: 2024-07-24. Review status: criteria provided, single submitter. Criteria: ACMG Guidelines, 2015. Collection method: clinical testing. Allele origin: germline.

Labcorp Genetics (formerly Invitae), Labcorp
Classification: Likely benign for Bardet-Biedl syndrome. Last evaluated: 2021-04-27. Review status: criteria provided, single submitter. Criteria: Invitae Variant Classification Sherloc (09022015). Collection method: clinical testing. Allele origin: germline.